The following is an entry in ClinVar:

NM_005902.4(SMAD3):c.207-10_280delinsA

Gene: SMAD3 (SMAD family member 3; plus strand). Cytogenetic location: 15q22.33.
Variant type: Indel.
Coding change: c.207-10_280delinsA on transcript NM_005902.4 (MANE Select); 10 bases into the intron before coding-DNA position 207 through coding-DNA position 280, the reference bases replaced by A.
Molecular consequence: splice acceptor variant.
Genome position (GRCh38, 1-based): chr15:67,164,885-67,164,968, 84 bases replaced. GRCh37 (hg19): chr15:67,457,223-67,457,306.
Other names: c.-109-10_-36delinsA (NM_001145102.2); c.75-10_148delinsA (NM_001145103.2).
Identifiers: ClinVar variation 2006491 (VCV002006491.4), dbSNP rs2505209009, ClinGen allele CA2580089878.

ClinVar aggregate classification (germline): Pathogenic (1 of 4 stars; one submission).

Conditions:
Familial thoracic aortic aneurysm and aortic dissection (TAAD). Also called: Thoracic aortic aneurysms and dissections. Identifiers: Orphanet 91387, MedGen C4707243, MONDO:0019625.

Submission:

Labcorp Genetics (formerly Invitae), Labcorp
Classification: Pathogenic for Familial thoracic aortic aneurysm and aortic dissection. Last evaluated: 2022-10-07. Review status: criteria provided, single submitter. Criteria: Invitae Variant Classification Sherloc (09022015). Collection method: clinical testing. Allele origin: germline.
Comment: This variant results in the deletion of part of exon 2 (c.207-10_280delinsA) of the SMAD3 gene. It is expected to disrupt RNA splicing. Variants that disrupt the donor or acceptor splice site typically lead to a loss of protein function (PMID: 16199547), and loss-of-function variants in SMAD3 are known to be pathogenic (PMID: 21778426, 24804794). For these reasons, this variant has been classified as Pathogenic. This variant disrupts a region of the SMAD3 protein in which other variant(s) (p.Arg74Trp) have been determined to be pathogenic (PMID: 29510914, 31096651; Invitae). This suggests that this is a clinically significant region of the protein, and that variants that disrupt it are likely to be disease-causing. Algorithms developed to predict the effect of sequence changes on RNA splicing suggest that this variant may disrupt the consensus splice site. This variant has not been reported in the literature in individuals affected with SMAD3-related conditions. This variant is not present in population databases (gnomAD no frequency).

Literature cited by the submitters: PubMed 16199547; PubMed 21778426; PubMed 24804794; PubMed 29510914; PubMed 31096651.